The following is an entry in ClinVar:

NM_024642.5(GALNT12):c.1743A>G (p.Leu581=)

Gene: GALNT12 (polypeptide N-acetylgalactosaminyltransferase 12; plus strand). Cytogenetic location: 9q22.33.
Variant type: single nucleotide variant.
Coding change: c.1743A>G on transcript NM_024642.5 (MANE Select); coding-DNA position 1743, A replaced by G.
Protein change: p.Leu581=; no amino-acid change (leucine 581 retained).
Molecular consequence: synonymous variant.
Genome position (GRCh38, 1-based): chr9:98,849,089, A>G. VCF-style: chr9-98849089-A-G. GRCh37 (hg19) VCF-style: chr9-101611371-A-G.
Identifiers: ClinVar variation 699009 (VCV000699009.17), dbSNP rs141108592, ClinGen allele CA5154359.

ClinVar aggregate classification (germline): Benign/Likely benign. Review status: criteria provided, multiple submitters, no conflicts (2 of 4 stars). 4 submissions from 4 submitters: Benign (1); Likely benign (3). Last evaluated 2026-04-28.

Conditions:
GALNT12-related disorder. Also called: GALNT12-related condition.
Colorectal cancer, susceptibility to, 1. Also called: COLORECTAL ADENOMA AND CANCER, SUSCEPTIBILITY TO; COLORECTAL CANCER, SUSCEPTIBILITY TO, ON CHROMOSOME 9. Identifiers: MedGen C1837315, MONDO:0012132, OMIM 608812.

Allele frequency attached by ClinVar (database versions not stated): gnomAD 0.00019 and 0.00021; 1000 Genomes Project 0.00020; TOPMed 0.00026; ESP Exome Variant Server 0.00038; gnomAD exomes 0.00002 and 0.00006; ExAC 0.00012; 1000 Genomes Project 30x 0.00016.
gnomAD v4.1: 54 of 1,614,208 alleles (0.0033%); highest among the groups gnomAD compares: African/African-American, 0.063%; no homozygotes.

Submissions (4):

Myriad Genetics, Inc.
Classification: Benign for Colorectal cancer, susceptibility to, 1. Last evaluated: 2026-04-28. Review status: criteria provided, single submitter. Criteria: Myriad Autosomal Dominant, Autosomal Recessive and X-Linked Classification Criteria (2023). Collection method: clinical testing. Allele origin: unknown.
Comment: This variant is considered benign. This variant is a silent/synonymous amino acid change and it is not expected to impact splicing.

PreventionGenetics, part of Exact Sciences
Classification: Likely benign for GALNT12-related condition. Last evaluated: 2025-11-18. Review status: criteria provided, single submitter. Criteria: ACMG Guidelines, 2015. Collection method: clinical testing. Allele origin: germline.
Comment: This variant is classified as likely benign based on ACMG/AMP sequence variant interpretation guidelines (Richards et al. 2015 PMID: 25741868, with internal and published modifications).

Labcorp Genetics (formerly Invitae), Labcorp
Classification: Likely benign. Last evaluated: 2025-06-04. Review status: criteria provided, single submitter. Criteria: Invitae Variant Classification Sherloc (09022015). Collection method: clinical testing. Allele origin: germline.

Ambry Genetics
Classification: Likely benign. Last evaluated: 2017-12-19. Review status: criteria provided, single submitter. Criteria: Ambry Variant Classification Scheme 2023. Collection method: clinical testing. Allele origin: germline.